The following is an entry in ClinVar:

ClinVar aggregate classification (germline): Benign. Review status: criteria provided, multiple submitters, no conflicts (2 of 4 stars). 2 submissions from 2 submitters: Benign (2). Last evaluated 2018-06-19.

Allele frequency attached by ClinVar (database versions not stated): 1000 Genomes Project 30x 0.68223; 1000 Genomes Project 0.68391; TOPMed 0.72316; gnomAD 0.74014 and 0.74129.
gnomAD v4.1: 112,861 of 151,992 alleles (74%); highest among the groups gnomAD compares: Non-Finnish European, 83%; 42,997 homozygotes.

Submissions (2):

GeneDx
Classification: Benign. Last evaluated: 2018-06-19. Review status: criteria provided, single submitter. Criteria: GeneDx Variant Classification (06012015). Collection method: clinical testing. Allele origin: germline. Affected: yes.
Comment: This variant is considered likely benign or benign based on one or more of the following criteria: it is a conservative change, it occurs at a poorly conserved position in the protein, it is predicted to be benign by multiple in silico algorithms, and/or has population frequency not consistent with disease.

Breakthrough Genomics
Classification: Benign. Review status: criteria provided, single submitter. Criteria: ACMG Guidelines, 2015. Collection method: not provided. Allele origin: germline. Inheritance: Autosomal recessive inheritance. Affected: yes.

NM_006059.4(LAMC3):c.2594-284C>T

Gene: LAMC3 (laminin subunit gamma 3; plus strand). Cytogenetic location: 9q34.12.
Variant type: single nucleotide variant.
Coding change: c.2594-284C>T on transcript NM_006059.4 (MANE Select); 284 bases into the intron before coding-DNA position 2594, C replaced by T.
Molecular consequence: intron variant.
Genome position (GRCh38, 1-based): chr9:131,067,794, C>T. VCF-style: chr9-131067794-C-T. GRCh37 (hg19) VCF-style: chr9-133943181-C-T.
Identifiers: ClinVar variation 684043 (VCV000684043.2), dbSNP rs34873763, ClinGen allele CA13021007.
Genomic context (GRCh38, chr9:131,067,794, plus strand): 5'-GCCAGGAGAACAGGGTCACGGGACCCAGAGCCATGGGTGCAGGGCTGTGCCTGTGACCCT[C>T]GCCCAAGTCTCTGGCCCTCTGCAGCCTGCCAGGGCTCAGGGCAGGCTCAGAAGGATTGTC-3'